The following is an entry in ClinVar:

ClinVar aggregate classification (germline): Uncertain significance. Review status: criteria provided, multiple submitters, no conflicts (2 of 4 stars). 2 submissions from 2 submitters: Uncertain significance (2). Last evaluated 2023-04-19.

gnomAD v4.1: 7 of 1,603,106 alleles (0.00044%); highest among the groups gnomAD compares: Non-Finnish European, 0.00043%; no homozygotes.

Submissions (2):

Ambry Genetics
Classification: Uncertain significance. Last evaluated: 2023-04-19. Review status: criteria provided, single submitter. Criteria: Ambry Variant Classification Scheme 2023. Collection method: clinical testing. Allele origin: germline.

Labcorp Genetics (formerly Invitae), Labcorp
Classification: Uncertain significance. Last evaluated: 2022-05-15. Review status: criteria provided, single submitter. Criteria: Invitae Variant Classification Sherloc (09022015). Collection method: clinical testing. Allele origin: germline.
Comment: This variant has not been reported in the literature in individuals affected with RELB-related conditions. Algorithms developed to predict the effect of missense changes on protein structure and function are either unavailable or do not agree on the potential impact of this missense change (SIFT: "Deleterious"; PolyPhen-2: "Benign"; Align-GVGD: "Class C0"). In summary, the available evidence is currently insufficient to determine the role of this variant in disease. Therefore, it has been classified as a Variant of Uncertain Significance. This variant is present in population databases (no rsID available, gnomAD 0.003%). This sequence change replaces aspartic acid, which is acidic and polar, with glutamic acid, which is acidic and polar, at codon 401 of the RELB protein (p.Asp401Glu).

NM_006509.4(RELB):c.1203C>G (p.Asp401Glu)

Gene: RELB (RELB proto-oncogene, NF-kB subunit; plus strand). Cytogenetic location: 19q13.32.
Variant type: single nucleotide variant.
Coding change: c.1203C>G on transcript NM_006509.4 (MANE Select); coding-DNA position 1203, C replaced by G.
Protein change: p.Asp401Glu; replaces aspartic acid 401 with glutamic acid.
Molecular consequence: missense variant.
Genome position (GRCh38, 1-based): chr19:45,032,745, C>G. VCF-style: chr19-45032745-C-G. GRCh37 (hg19) VCF-style: chr19-45536003-C-G.
Other names: c.1194C>G, p.Asp398Glu (NM_001411087.1); c.1203C>G (NM_006509.3); short protein forms D398E, D401E.
Identifiers: ClinVar variation 1923054 (VCV001923054.7), dbSNP rs906425059, ClinGen allele CA308903688.